The following is an entry in ClinVar:

NM_002109.6(HARS1):c.103G>A (p.Val35Met)

Gene: HARS1 (histidyl-tRNA synthetase 1; minus strand). Cytogenetic location: 5q31.3.
Variant type: single nucleotide variant.
Coding change: c.103G>A on transcript NM_002109.6 (MANE Select); coding-DNA position 103, G replaced by A.
Protein change: p.Val35Met; replaces valine 35 with methionine.
Molecular consequence: missense variant.
Genome position (GRCh38, 1-based): chr5:140,690,932, C>T on the plus strand (G>A on the coding strand, the complement: HARS1 is on the minus strand). VCF-style: chr5-140690932-C-T. GRCh37 (hg19) VCF-style: chr5-140070517-C-T.
Other names: p.Val35Met; c.103G>A, p.Val35Met (NM_001258040.3, NM_001258041.3, NM_001258042.3 and 2 more transcripts); c.16G>A, p.Val6Met (NM_001289094.2); short protein forms V35M, V6M.
Identifiers: ClinVar variation 351242 (VCV000351242.17), dbSNP rs144588417, ClinGen allele CA3444202.

ClinVar aggregate classification (germline): Conflicting classifications of pathogenicity. Review status: criteria provided, conflicting classifications (1 of 4 stars). 6 submissions from 6 submitters: Uncertain significance (4); Benign (1); Likely benign (1). Last evaluated 2026-09-25.

Conditions:
HARS1-related disorder. Also called: HARS1-related condition.
Usher syndrome type 3B. Also called: USHER SYNDROME, TYPE IIIB. Identifiers: MedGen C3281066, MONDO:0013788, OMIM 614504.

Allele frequency attached by ClinVar (database versions not stated): ESP Exome Variant Server 0.00008; TOPMed 0.00008; ExAC 0.00012; gnomAD exomes 0.00012 and 0.00026.
gnomAD v4.1: 380 of 1,599,244 alleles (0.024%); highest among the groups gnomAD compares: Non-Finnish European, 0.032%; no homozygotes.

Submissions (6):

PreventionGenetics, part of Exact Sciences
Classification: Uncertain significance for HARS1-related condition. Last evaluated: 2026-09-25. Review status: criteria provided, single submitter. Criteria: ACMG Guidelines, 2015. Collection method: clinical testing. Allele origin: germline.
Comment: The HARS1 c.103G>A variant is predicted to result in the amino acid substitution p.Val35Met. To our knowledge, this variant has not been reported in the literature. This variant is reported in 0.025% of alleles in individuals of European (non-Finnish) descent in gnomAD, which may be too frequent to be a primary cause of autosomal dominant disease. At this time, the clinical significance of this variant is uncertain due to the absence of conclusive functional and genetic evidence.

Labcorp Genetics (formerly Invitae), Labcorp
Classification: Uncertain significance for Usher syndrome type 3B. Last evaluated: 2025-12-16. Review status: criteria provided, single submitter. Criteria: Invitae Variant Classification Sherloc (09022015). Collection method: clinical testing. Allele origin: germline.
Comment: This sequence change replaces valine, which is neutral and non-polar, with methionine, which is neutral and non-polar, at codon 35 of the HARS protein (p.Val35Met). This variant is present in population databases (rs144588417, gnomAD 0.02%). This variant has not been reported in the literature in individuals affected with HARS-related conditions. ClinVar contains an entry for this variant (Variation ID: 351242). An algorithm developed to predict the effect of missense changes on protein structure and function (PolyPhen-2) suggests that this variant is likely to be disruptive. In summary, the available evidence is currently insufficient to determine the role of this variant in disease. Therefore, it has been classified as a Variant of Uncertain Significance.

Blueprint Genetics
Classification: Uncertain significance. Last evaluated: 2024-09-20. Review status: criteria provided, single submitter. Criteria: ACMG Guidelines, 2015. Collection method: clinical testing. Allele origin: germline.

GeneDx
Classification: Uncertain significance. Last evaluated: 2023-03-03. Review status: criteria provided, single submitter. Criteria: GeneDx Variant Classification Process June 2021. Collection method: clinical testing. Allele origin: germline. Affected: yes.
Comment: In silico analysis supports that this missense variant does not alter protein structure/function; Has not been previously published as pathogenic or benign to our knowledge

Ambry Genetics
Classification: Likely benign. Last evaluated: 2022-10-28. Review status: criteria provided, single submitter. Criteria: Ambry Variant Classification Scheme 2023. Collection method: clinical testing. Allele origin: germline.

Mayo Clinic Laboratories, Mayo Clinic
Classification: Benign. Last evaluated: 2022-05-26. Review status: criteria provided, single submitter. Criteria: ACMG Guidelines, 2015. Collection method: clinical testing. Allele origin: germline. Observed: 4 variant alleles.